The following is an entry in ClinVar:

NM_024306.5(FA2H):c.271-3993C>T

Gene: FA2H (fatty acid 2-hydroxylase; minus strand). Cytogenetic location: 16q23.1.
Variant type: single nucleotide variant.
Coding change: c.271-3993C>T on transcript NM_024306.5 (MANE Select); 3993 bases into the intron before coding-DNA position 271, C replaced by T.
Molecular consequence: intron variant.
Genome position (GRCh38, 1-based): chr16:74,744,108, G>A on the plus strand (C>T on the coding strand, the complement: FA2H is on the minus strand). VCF-style: chr16-74744108-G-A. GRCh37 (hg19) VCF-style: chr16-74778006-G-A.
Identifiers: ClinVar variation 3256800 (VCV003256800.2).
Genomic context (GRCh38, chr16:74,744,108, plus strand): 5'-ATTCCCACCTGGGGCACGCCAGGACTCCAGGAACTGGGTCCTGCCAGGAGCAGCTGTGCC[G>A]CACGCATGCCACACACGTTGATCTGGGCCACGTTTTCCAGACTCCCGCCCCGGTGTTTAT-3'

ClinVar aggregate classification (germline): Benign (1 of 4 stars; one submission).

gnomAD v4.1: 59,089 of 151,910 alleles (39%); highest among the groups gnomAD compares: East Asian, 68%; 11,939 homozygotes.

Submission:

Unidad de Genómica Garrahan, Hospital de Pediatría Garrahan
Classification: Benign. Last evaluated: 2024-07-31. Review status: criteria provided, single submitter. Criteria: ACMG Guidelines, 2015. Collection method: clinical testing. Allele origin: germline. Affected: no. Observed: 55 variant alleles.
Comment: This variant is classified as Benign based on local population frequency. This variant was detected in 59% of patients studied in a panel designed for Epileptic and Developmental Encephalopathy, Progressive Myoclonus Epilepsy and Abnormal Movements and Neurodegeneration with brain iron accumulation. Number of patients: 55. Only high quality variants are reported.